The following is an entry in ClinVar:

ClinVar aggregate classification (germline): Pathogenic (1 of 4 stars; one submission).

Conditions:
Mucopolysaccharidosis type 1. Also called: Mucopolysaccharidosis Type I; IDUA deficiency; MPS I. Identifiers: Orphanet 579, MedGen C0023786, MONDO:0001586.

Submission:

Labcorp Genetics (formerly Invitae), Labcorp
Classification: Pathogenic for Mucopolysaccharidosis type 1. Last evaluated: 2024-05-16. Review status: criteria provided, single submitter. Criteria: Invitae Variant Classification Sherloc (09022015). Collection method: clinical testing. Allele origin: germline.
Comment: This sequence change affects a donor splice site in intron 10 of the IDUA gene. It is expected to disrupt RNA splicing. Variants that disrupt the donor or acceptor splice site typically lead to a loss of protein function (PMID: 16199547), and loss-of-function variants in IDUA are known to be pathogenic (PMID: 11735025, 21480867). This variant is not present in population databases (gnomAD no frequency). Disruption of this splice site has been observed in individual(s) with mucopolysaccharidosis type I (PMID: 27146977). Algorithms developed to predict the effect of sequence changes on RNA splicing suggest that this variant may disrupt the consensus splice site. For these reasons, this variant has been classified as Pathogenic.

Literature cited by the submitters: PubMed 16199547; PubMed 11735025; PubMed 21480867; PubMed 27146977.

NM_000203.5(IDUA):c.1524+1G>C

Gene: IDUA (alpha-L-iduronidase; plus strand). Cytogenetic location: 4p16.3.
Variant type: single nucleotide variant.
Coding change: c.1524+1G>C on transcript NM_000203.5 (MANE Select); the canonical splice donor site of the intron after coding-DNA position 1524, G replaced by C.
Molecular consequence: splice donor variant.
Genome position (GRCh38, 1-based): chr4:1,003,158, G>C. VCF-style: chr4-1003158-G-C. GRCh37 (hg19) VCF-style: chr4-996946-G-C.
Other names: c.1128+1G>C (NM_001363576.1).
Identifiers: ClinVar variation 3653693 (VCV003653693.2).
Genomic context (GRCh38, chr4:1,003,158, plus strand): 5'-CGCCTGGGCCGGCCCGTCTTCCCCACGGCAGAGCAGTTCCGGCGCATGCGCGCGGCTGAG[G>C]TAGGTGGGCCGCGGAGGGGCGAGGGGCCGGGCCGGGCCGGGGTCCCGGGGGGGTGGGGTC-3'